The following is an entry in ClinVar:

NM_014140.4(SMARCAL1):c.498del (p.Leu167fs)

Gene: SMARCAL1 (SNF2 related chromatin remodeling annealing helicase 1; plus strand). Cytogenetic location: 2q35.
Variant type: Deletion.
Coding change: c.498del on transcript NM_014140.4 (MANE Select); coding-DNA position 498, one base deleted (T; older notation c.498delT).
Protein change: p.Leu167fs; shifts the reading frame from leucine 167.
Molecular consequence: frameshift variant.
Genome position (GRCh38, 1-based): chr2:216,415,202, T deleted. VCF-style (leftmost placement, unchanged base first): chr2-216415201-CT-C. GRCh37 (hg19) VCF-style: chr2-217279924-CT-C.
Other names: c.498del, p.Leu167fs (NM_001127207.2); short protein forms L167fs.
Identifiers: ClinVar variation 2032660 (VCV002032660.4), dbSNP rs2469611458, ClinGen allele CA2580065736.
Genomic context (GRCh38, chr2:216,415,201, plus strand): 5'-GTCATGCTCAGGCTTCACCTGAGATCAGGTTCACACCCTTTGCTAACCCAACTCATAAGC[CT>C]CTGGCCAAACCAAAGAGTTCCCAAGAGACACCAGCTCATTCCTCTGGACAGCCTCCCAGG-3'

ClinVar aggregate classification (germline): Pathogenic (1 of 4 stars; one submission).

Conditions:
Schimke immuno-osseous dysplasia (SIOD). Also called: Schimke Immunoosseous Dysplasia. Identifiers: Orphanet 1830, MedGen C0877024, MONDO:0009458, OMIM 242900.

Submission:

Labcorp Genetics (formerly Invitae), Labcorp
Classification: Pathogenic for Schimke immuno-osseous dysplasia. Last evaluated: 2022-09-26. Review status: criteria provided, single submitter. Criteria: Invitae Variant Classification Sherloc (09022015). Collection method: clinical testing. Allele origin: germline.
Comment: This sequence change creates a premature translational stop signal (p.Leu167Trpfs*24) in the SMARCAL1 gene. It is expected to result in an absent or disrupted protein product. Loss-of-function variants in SMARCAL1 are known to be pathogenic (PMID: 11799392, 20301550). This variant is not present in population databases (gnomAD no frequency). This variant has not been reported in the literature in individuals affected with SMARCAL1-related conditions. For these reasons, this variant has been classified as Pathogenic.

Literature cited by the submitters: PubMed 11799392; PubMed 20301550.